The following is an entry in ClinVar:

ClinVar aggregate classification (germline): Uncertain significance (1 of 4 stars; one submission).

Submission:

Labcorp Genetics (formerly Invitae), Labcorp
Classification: Uncertain significance. Last evaluated: 2022-11-01. Review status: criteria provided, single submitter. Criteria: Invitae Variant Classification Sherloc (09022015). Collection method: clinical testing. Allele origin: germline.
Comment: This sequence change replaces threonine, which is neutral and polar, with serine, which is neutral and polar, at codon 983 of the ADGRA3 protein (p.Thr983Ser). This variant is not present in population databases (gnomAD no frequency). This variant has not been reported in the literature in individuals affected with ADGRA3-related conditions. Algorithms developed to predict the effect of missense changes on protein structure and function (SIFT, PolyPhen-2, Align-GVGD) all suggest that this variant is likely to be tolerated. In summary, the available evidence is currently insufficient to determine the role of this variant in disease. Therefore, it has been classified as a Variant of Uncertain Significance.

NM_145290.4(ADGRA3):c.2947A>T (p.Thr983Ser)

Gene: ADGRA3 (adhesion G protein-coupled receptor A3; minus strand). Cytogenetic location: 4p15.2.
Variant type: single nucleotide variant.
Coding change: c.2947A>T on transcript NM_145290.4 (MANE Select); coding-DNA position 2947, A replaced by T.
Protein change: p.Thr983Ser; replaces threonine 983 with serine.
Molecular consequence: missense variant.
Genome position (GRCh38, 1-based): chr4:22,388,724, T>A on the plus strand (A>T on the coding strand, the complement: ADGRA3 is on the minus strand). VCF-style: chr4-22388724-T-A. GRCh37 (hg19) VCF-style: chr4-22390347-T-A.
Other names: short protein forms T983S.
Identifiers: ClinVar variation 3005409 (VCV003005409.3), dbSNP rs1713962745, ClinGen allele CA356474497.